The following is an entry in ClinVar:

ClinVar aggregate classification (germline): Uncertain significance. Review status: criteria provided, multiple submitters, no conflicts (2 of 4 stars). 3 submissions from 3 submitters: Uncertain significance (3). Last evaluated 2025-06-07.

Conditions:
Hereditary cancer-predisposing syndrome. Also called: Hereditary Cancer Syndrome; Hereditary neoplastic syndrome; Neoplastic Syndromes, Hereditary; Tumor predisposition. Identifiers: Orphanet 140162, MedGen C0027672, MeSH D009386, MONDO:0015356.
Familial cancer of breast. Also called: BREAST CANCER, FAMILIAL; Hereditary breast cancer; hereditary breast carcinoma. Identifiers: Orphanet 227535, MedGen C0346153, MONDO:0016419, OMIM 114480. Disease mechanism: loss of function.

Submissions (3):

Ambry Genetics
Classification: Uncertain significance for Hereditary cancer-predisposing syndrome. Last evaluated: 2025-06-07. Review status: criteria provided, single submitter. Criteria: Ambry Variant Classification Scheme 2023. Collection method: clinical testing. Allele origin: germline.
Comment: The p.A459V variant (also known as c.1376C>T) is located in coding exon 12 of the CHEK2 gene. The alanine at codon 459 is replaced by valine, an amino acid with similar properties. This change occurs in the first base pair of coding exon 12. This amino acid position is conserved. In addition, the in silico prediction for this alteration is inconclusive. Since supporting evidence is limited at this time, the clinical significance of this alteration remains unclear.

Color Diagnostics, LLC DBA Color Health
Classification: Uncertain significance for Hereditary cancer-predisposing syndrome. Last evaluated: 2024-09-17. Review status: criteria provided, single submitter. Criteria: ACMG Guidelines, 2015. Collection method: clinical testing. Allele origin: germline.
Comment: This missense variant replaces alanine with valine at codon 459 of the CHEK2 protein. Computational prediction is inconclusive regarding the impact of this variant on protein structure and function (internally defined REVEL score threshold 0.5 < inconclusive < 0.7, PMID: 27666373). To our knowledge, functional studies have not been reported for this variant. This variant has not been reported in individuals affected with CHEK2-related disorders in the literature. This variant has not been identified in the general population by the Genome Aggregation Database (gnomAD). The available evidence is insufficient to determine the role of this variant in disease conclusively. Therefore, this variant is classified as a Variant of Uncertain Significance.

Labcorp Genetics (formerly Invitae), Labcorp
Classification: Uncertain significance for Familial cancer of breast. Last evaluated: 2022-04-15. Review status: criteria provided, single submitter. Criteria: Invitae Variant Classification Sherloc (09022015). Collection method: clinical testing. Allele origin: germline.
Comment: This sequence change replaces alanine, which is neutral and non-polar, with valine, which is neutral and non-polar, at codon 459 of the CHEK2 protein (p.Ala459Val). In summary, the available evidence is currently insufficient to determine the role of this variant in disease. Therefore, it has been classified as a Variant of Uncertain Significance. Algorithms developed to predict the effect of missense changes on protein structure and function are either unavailable or do not agree on the potential impact of this missense change (SIFT: "Deleterious"; PolyPhen-2: "Probably Damaging"; Align-GVGD: "Class C0"). This variant has not been reported in the literature in individuals affected with CHEK2-related conditions. This variant is not present in population databases (gnomAD no frequency).

NM_007194.4(CHEK2):c.1376C>T (p.Ala459Val)

Gene: CHEK2 (checkpoint kinase 2; minus strand). Cytogenetic location: 22q12.1.
Variant type: single nucleotide variant.
Coding change: c.1376C>T on transcript NM_007194.4 (MANE Select); coding-DNA position 1376, C replaced by T.
Protein change: p.Ala459Val; replaces alanine 459 with valine.
Molecular consequence: missense variant.
Genome position (GRCh38, 1-based): chr22:28,694,117, G>A on the plus strand (C>T on the coding strand, the complement: CHEK2 is on the minus strand). VCF-style: chr22-28694117-G-A. GRCh37 (hg19) VCF-style: chr22-29090105-G-A.
Other names: c.1505C>T, p.Ala502Val (NM_001005735.3); c.713C>T, p.Ala238Val (NM_001257387.3); c.1175C>T, p.Ala392Val (NM_001349956.3); c.1289C>T, p.Ala430Val (NM_145862.3); short protein forms A392V, A238V, A459V, A502V, A430V.
Identifiers: ClinVar variation 1771170 (VCV001771170.8), dbSNP rs2145786700, ClinGen allele CA411094553.